The following is an entry in ClinVar:

NM_000168.6(GLI3):c.1844C>T (p.Thr615Ile)

Gene: GLI3 (GLI family zinc finger 3; minus strand). Cytogenetic location: 7p14.1.
Variant type: single nucleotide variant.
Coding change: c.1844C>T on transcript NM_000168.6 (MANE Select); coding-DNA position 1844, C replaced by T.
Protein change: p.Thr615Ile; replaces threonine 615 with isoleucine.
Molecular consequence: missense variant.
Genome position (GRCh38, 1-based): chr7:41,972,596, G>A on the plus strand (C>T on the coding strand, the complement: GLI3 is on the minus strand). VCF-style: chr7-41972596-G-A. GRCh37 (hg19) VCF-style: chr7-42012195-G-A.
Other names: short protein forms T615I.
Identifiers: ClinVar variation 2315020 (VCV002315020.4), dbSNP rs1372552953, ClinGen allele CA367322781.
Genomic context (GRCh38, chr7:41,972,596, plus strand): 5'-TCTGGGCCATGCACTGTCTTCACATGTTTCCGGAGGGAGCTTGGGTCTGTGTAACGCTTA[G>A]TGCAGCCTGGGATTTTGCACACATATGGTTTCTGCCAAATCCCACAAGAACGAGGTAAGA-3'
Protein context (NP_000159.3, residues 605-625): KPYVCKIPGC[Thr615Ile]KRYTDPSSLR

ClinVar aggregate classification (germline): Conflicting classifications of pathogenicity. Review status: criteria provided, conflicting classifications (1 of 4 stars). 3 submissions from 3 submitters: Uncertain significance (2); Benign (1). Last evaluated 2025-11-24.

Conditions:
GLI3-related disorder. Also called: GLI3-related disorders; GLI3-related condition. Identifiers: MedGen CN239292.
Greig cephalopolysyndactyly syndrome (GCPS). Also called: POLYSYNDACTYLY WITH PECULIAR SKULL SHAPE; Greig syndrome; GLI3-Related Greig Cephalopolysyndactyly Syndrome. Identifiers: Orphanet 380, MedGen C0265306, MONDO:0008287, OMIM 175700.
Pallister-Hall syndrome (PHS). Also called: GLI3-Related Pallister-Hall Syndrome; HYPOTHALAMIC HAMARTOBLASTOMA, HYPOPITUITARISM, IMPERFORATE ANUS, AND POSTAXIAL POLYDACTYLY. Identifiers: Orphanet 672, MedGen C0265220, MONDO:0007804, OMIM 146510.
Inborn genetic diseases. Identifiers: MedGen C0950123, MeSH D030342.

Allele frequency attached by ClinVar (database versions not stated): gnomAD exomes 0.00001; TOPMed 0.00001.
gnomAD v4.1: 3 of 1,607,358 alleles (0.00019%); highest among the groups gnomAD compares: Admixed American, 0.005%; no homozygotes.

Submissions (3):

PreventionGenetics, part of Exact Sciences
Classification: Uncertain significance for GLI3-related condition. Last evaluated: 2025-11-24. Review status: criteria provided, single submitter. Criteria: ACMG Guidelines, 2015. Collection method: clinical testing. Allele origin: germline.
Comment: The GLI3 c.1844C>T variant is predicted to result in the amino acid substitution p.Thr615Ile. To our knowledge, this variant has not been reported in the literature. This variant is reported in 0.0087% of alleles in individuals of Latino descent in gnomAD. At this time, the clinical significance of this variant is uncertain due to the absence of conclusive functional and genetic evidence.

Labcorp Genetics (formerly Invitae), Labcorp
Classification: Benign for Pallister-Hall syndrome; Greig cephalopolysyndactyly syndrome. Last evaluated: 2025-07-01. Review status: criteria provided, single submitter. Criteria: Invitae Variant Classification Sherloc (09022015). Collection method: clinical testing. Allele origin: germline.

Ambry Genetics
Classification: Uncertain significance for Inborn genetic diseases. Last evaluated: 2022-10-03. Review status: criteria provided, single submitter. Criteria: Ambry Variant Classification Scheme 2023. Collection method: clinical testing. Allele origin: germline.